The following is an entry in ClinVar:

NC_000019.10:g.(?_8302443)_(8308310_?)dup

Gene: CD320 (CD320 molecule; minus strand). Cytogenetic location: 19p13.2.
Variant type: Duplication.
Identifiers: ClinVar variation 832775 (VCV000832775.5).

ClinVar aggregate classification (germline): Uncertain significance (1 of 4 stars; one submission).

Conditions:
Methylmalonic acidemia due to transcobalamin receptor defect (MATR). Also called: METHYLMALONIC ACIDURIA, TRANSIENT, DUE TO TRANSCOBALAMIN RECEPTOR DEFECT; METHYLMALONIC ACIDEMIA, TCblR TYPE. Identifiers: Orphanet 280183, MedGen C4749905, MONDO:0013341, OMIM 613646.

Submission:

Labcorp Genetics (formerly Invitae), Labcorp
Classification: Uncertain significance for Methylmalonic acidemia due to transcobalamin receptor defect. Last evaluated: 2020-02-10. Review status: criteria provided, single submitter. Criteria: Invitae Variant Classification Sherloc (09022015). Collection method: clinical testing. Allele origin: germline.
Comment: In summary, the available evidence is currently insufficient to determine the role of this variant in disease. Therefore, it has been classified as a Variant of Uncertain Significance. This variant has not been reported in the literature in individuals with CD320-related conditions. This variant results in a copy number gain of the genomic region encompassing the full coding sequence of the CD320 gene. The boundaries of this event are unknown as they extend beyond the assayed region for this gene and therefore may encompass additional genes. As the precise location of this event is unknown, it may be in tandem or it may be located elsewhere in the genome.